The following is an entry in ClinVar:

NM_014855.3(AP5Z1):c.1949T>G (p.Ile650Ser)

Gene: AP5Z1 (adaptor related protein complex 5 subunit zeta 1; plus strand). Cytogenetic location: 7p22.1.
Variant type: single nucleotide variant.
Coding change: c.1949T>G on transcript NM_014855.3 (MANE Select); coding-DNA position 1949, T replaced by G.
Protein change: p.Ile650Ser; replaces isoleucine 650 with serine.
Molecular consequence: missense variant. On other transcripts: non-coding transcript variant (1).
Genome position (GRCh38, 1-based): chr7:4,790,683, T>G. VCF-style: chr7-4790683-T-G. GRCh37 (hg19) VCF-style: chr7-4830314-T-G.
Other names: c.1481T>G, p.Ile494Ser (NM_001364858.1); short protein forms I650S, I494S.
Identifiers: ClinVar variation 1030378 (VCV001030378.2), dbSNP rs997666417, ClinGen allele CA153033940.

ClinVar aggregate classification (germline): Uncertain significance. Review status: criteria provided, multiple submitters, no conflicts (2 of 4 stars). 2 submissions from 2 submitters: Uncertain significance (2). Last evaluated 2025-12-04.

Conditions:
Hereditary spastic paraplegia 48. Also called: SPASTIC PARAPLEGIA 48, AUTOSOMAL RECESSIVE; Spastic paraplegia 48. Identifiers: Orphanet 306511, MedGen C3150901, MONDO:0013342, OMIM 613647.
Inborn genetic diseases. Identifiers: MedGen C0950123, MeSH D030342.

Allele frequency attached by ClinVar (database versions not stated): gnomAD exomes below 0.00001; gnomAD 0.00001; TOPMed 0.00001.

Submissions (2):

Ambry Genetics
Classification: Uncertain significance for Inborn genetic diseases. Last evaluated: 2025-12-04. Review status: criteria provided, single submitter. Criteria: Ambry Variant Classification Scheme 2023. Collection method: clinical testing. Allele origin: germline.

Baylor Genetics
Classification: Uncertain significance for Hereditary spastic paraplegia 48. Last evaluated: 2019-09-18. Review status: criteria provided, single submitter. Criteria: ACMG Guidelines, 2015. Collection method: clinical testing. Allele origin: unknown. Affected: yes.
Comment: This variant was determined to be of uncertain significance according to ACMG Guidelines, 2015 [PMID:25741868].